The following is an entry in ClinVar:

NM_000388.4(CASR):c.2288T>G (p.Ile763Ser)

Gene: CASR (calcium sensing receptor; plus strand). Cytogenetic location: 3q21.1.
Variant type: single nucleotide variant.
Coding change: c.2288T>G on transcript NM_000388.4 (MANE Select); coding-DNA position 2288, T replaced by G.
Protein change: p.Ile763Ser; replaces isoleucine 763 with serine.
Molecular consequence: missense variant.
Genome position (GRCh38, 1-based): chr3:122,284,242, T>G. VCF-style: chr3-122284242-T-G. GRCh37 (hg19) VCF-style: chr3-122003089-T-G.
Other names: c.2318T>G, p.Ile773Ser (NM_001178065.2); short protein forms I763S, I773S.
Identifiers: ClinVar variation 2953330 (VCV002953330.3), dbSNP rs2473279237, ClinGen allele CA354159336.

ClinVar aggregate classification (germline): Uncertain significance (1 of 4 stars; one submission).

Conditions:
Autosomal dominant hypocalcemia 1 (HYPOC1). Also called: HYPOCALCEMIA, FAMILIAL. Identifiers: MedGen C3715128, MONDO:0011013, OMIM 601198.
Familial hypocalciuric hypercalcemia (FHH). Also called: Familial benign hypercalcemia. Identifiers: Orphanet 405, MedGen C1809471, MONDO:0018458.

Submission:

Labcorp Genetics (formerly Invitae), Labcorp
Classification: Uncertain significance for Familial hypocalciuric hypercalcemia; Autosomal dominant hypocalcemia 1. Last evaluated: 2023-10-28. Review status: criteria provided, single submitter. Criteria: Invitae Variant Classification Sherloc (09022015). Collection method: clinical testing. Allele origin: germline.
Comment: This sequence change replaces isoleucine, which is neutral and non-polar, with serine, which is neutral and polar, at codon 763 of the CASR protein (p.Ile763Ser). This variant is not present in population databases (gnomAD no frequency). This variant has not been reported in the literature in individuals affected with CASR-related conditions. An algorithm developed to predict the effect of missense changes on protein structure and function (PolyPhen-2) suggests that this variant is likely to be disruptive. In summary, the available evidence is currently insufficient to determine the role of this variant in disease. Therefore, it has been classified as a Variant of Uncertain Significance.